The following is an entry in ClinVar:

NM_006231.4(POLE):c.1609G>A (p.Glu537Lys)

Gene: POLE (DNA polymerase epsilon, catalytic subunit; minus strand). Cytogenetic location: 12q24.33.
Variant type: single nucleotide variant.
Coding change: c.1609G>A on transcript NM_006231.4 (MANE Select); coding-DNA position 1609, G replaced by A.
Protein change: p.Glu537Lys; replaces glutamic acid 537 with lysine.
Molecular consequence: missense variant.
Genome position (GRCh38, 1-based): chr12:132,672,704, C>T on the plus strand (G>A on the coding strand, the complement: POLE is on the minus strand). VCF-style: chr12-132672704-C-T. GRCh37 (hg19) VCF-style: chr12-133249290-C-T.
Other names: c.1609G>A (NM_006231.2); short protein forms E537K.
Identifiers: ClinVar variation 2161919 (VCV002161919.5), dbSNP rs2542134700, ClinGen allele CA387356802.
Genomic context (GRCh38, chr12:132,672,704, plus strand): 5'-GGATATCGCTGCGGAAAACCCCAGACTCGAGGGCCTCCACGTGGCCCCCGACGTAGGTCT[C>T]AGAGTCCAGCACGTGTCCGTCGTCCGTCAGCTTATTGAACTCCTGCTCTTGCTTGTTGGG-3'
Protein context (NP_006222.2, residues 527-547): LTDDGHVLDS[Glu537Lys]TYVGGHVEAL

ClinVar aggregate classification (germline): Uncertain significance. Review status: criteria provided, multiple submitters, no conflicts (2 of 4 stars). 2 submissions from 2 submitters: Uncertain significance (2). Last evaluated 2024-08-20.

Conditions:
Hereditary cancer-predisposing syndrome. Also called: Hereditary Cancer Syndrome; Neoplastic Syndromes, Hereditary; Tumor predisposition; Hereditary neoplastic syndrome. Identifiers: Orphanet 140162, MedGen C0027672, MeSH D009386, MONDO:0015356.

Submissions (2):

Ambry Genetics
Classification: Uncertain significance for Hereditary cancer-predisposing syndrome. Last evaluated: 2024-08-20. Review status: criteria provided, single submitter. Criteria: Ambry Variant Classification Scheme 2023. Collection method: clinical testing. Allele origin: germline.
Comment: The p.E537K variant (also known as c.1609G>A), located in coding exon 15 of the POLE gene, results from a G to A substitution at nucleotide position 1609. The glutamic acid at codon 537 is replaced by lysine, an amino acid with similar properties. This amino acid position is conserved. In addition, this alteration is predicted to be deleterious by in silico analysis. Based on the available evidence, the clinical significance of this variant remains unclear.

Labcorp Genetics (formerly Invitae), Labcorp
Classification: Uncertain significance. Last evaluated: 2022-05-07. Review status: criteria provided, single submitter. Criteria: Invitae Variant Classification Sherloc (09022015). Collection method: clinical testing. Allele origin: germline.
Comment: Algorithms developed to predict the effect of missense changes on protein structure and function (SIFT, PolyPhen-2, Align-GVGD) all suggest that this variant is likely to be disruptive. In summary, the available evidence is currently insufficient to determine the role of this variant in disease. Therefore, it has been classified as a Variant of Uncertain Significance. This variant has not been reported in the literature in individuals affected with POLE-related conditions. This variant is not present in population databases (gnomAD no frequency). This sequence change replaces glutamic acid, which is acidic and polar, with lysine, which is basic and polar, at codon 537 of the POLE protein (p.Glu537Lys).